The following is an entry in ClinVar:

NM_000059.4(BRCA2):c.1448_1451dupCAGT

Gene: BRCA2 (BRCA2 DNA repair associated; plus strand). Cytogenetic location: 13q13.1.
Variant type: Duplication.
Coding change: c.1448_1451dupCAGT on transcript NM_000059.4; coding-DNA positions 1448 to 1451, 4 bases duplicated (CAGT).
Genome position (GRCh38, 1-based): chr13:32,332,926-32,332,929, CAGT duplicated. VCF-style (leftmost placement, unchanged base first): chr13-32332925-G-GCAGT. GRCh37 (hg19) VCF-style: chr13-32907062-G-GCAGT.
Other names: 1679insCAGT; c.1448_1451dup, p.Lys485fs (LRG_293t1).
Identifiers: ClinVar variation 266635 (VCV000266635.7), dbSNP rs886040366, ClinGen allele CA10589094.

ClinVar aggregate classification (germline): Pathogenic. Review status: reviewed by expert panel (3 of 4 stars). 3 submissions from 3 submitters: Pathogenic (1). 2 of the submissions do not count toward it. Last evaluated 2016-10-18.

Conditions:
Hereditary breast ovarian cancer syndrome. Also called: Hereditary breast and ovarian cancer; Hereditary breast and ovarian cancer syndrome (HBOC); Hereditary breast and/or ovarian cancer syndrome; Breast and ovarian cancer; Hereditary breast and ovarian cancer syndrome; BRCA1- and BRCA2-Associated Hereditary Breast and Ovarian Cancer. Identifiers: Orphanet 145, MedGen C0677776, MeSH D061325, MONDO:0003582. Disease mechanism: loss of function.
Breast-ovarian cancer, familial, susceptibility to, 2 (BROVCA2). Also called: BRCA2 Hereditary Breast and Ovarian Cancer. Identifiers: Orphanet 145, MedGen C2675520, MONDO:0012933, OMIM 612555. Disease mechanism: loss of function.

Submissions (3):

Evidence-based Network for the Interpretation of Germline Mutant Alleles (ENIGMA)
Classification: Pathogenic for Breast-ovarian cancer, familial, susceptibility to, 2. Last evaluated: 2016-10-18. Review status: reviewed by expert panel. Criteria: ENIGMA BRCA1/2 Classification Criteria (2015). Collection method: curation. Allele origin: germline.
Comment: Variant allele predicted to encode a truncated non-functional protein.

Consortium of Investigators of Modifiers of BRCA1/2 (CIMBA), c/o University of Cambridge
Classification: Pathogenic for Breast-ovarian cancer, familial, susceptibility to, 2. Last evaluated: 2015-10-02. Review status: criteria provided, single submitter. Criteria: CIMBA Mutation Classification guidelines May 2016. Collection method: clinical testing. Allele origin: germline. Not counted in ClinVar's aggregate classification.

Research Molecular Genetics Laboratory, Women's College Hospital, University of Toronto
Classification: Pathogenic for Hereditary breast ovarian cancer syndrome. Last evaluated: 2014-01-31. Review status: no assertion criteria provided. Collection method: research. Allele origin: germline. Affected: yes. Study: The Canadian Open Genetics Repository (COGR). Not counted in ClinVar's aggregate classification.